The following is an entry in ClinVar:

NM_000051.4(ATM):c.8988-16G>A

Genes: ATM (ATM serine/threonine kinase; plus strand), C11orf65 (chromosome 11 open reading frame 65; minus strand). Cytogenetic location: 11q22.3.
Variant type: single nucleotide variant.
Coding change: c.8988-16G>A on transcript NM_000051.4 (MANE Select); 16 bases into the intron before coding-DNA position 8988, G replaced by A.
Molecular consequence: intron variant.
Genome position (GRCh38, 1-based): chr11:108,365,309, G>A. VCF-style: chr11-108365309-G-A. GRCh37 (hg19) VCF-style: chr11-108236036-G-A.
Other names: c.8988-16G>A (NM_001351834.2); c.640+20611C>T (NM_001330368.2); c.694+20611C>T (NM_001351110.2).
Identifiers: ClinVar variation 2005567 (VCV002005567.5), dbSNP rs2137901081, ClinGen allele CA2580083129.

ClinVar aggregate classification (germline): Likely benign. Review status: criteria provided, multiple submitters, no conflicts (2 of 4 stars). 2 submissions from 2 submitters: Likely benign (2). Last evaluated 2024-06-24.

Conditions:
Familial cancer of breast. Also called: BREAST CANCER, FAMILIAL; Hereditary breast cancer; hereditary breast carcinoma. Identifiers: Orphanet 227535, MedGen C0346153, MONDO:0016419, OMIM 114480. Disease mechanism: loss of function.
Ataxia-telangiectasia syndrome (AT). Also called: Ataxia-telangiectasia, complementation group D; AT, COMPLEMENTATION GROUP C; ATAXIA-TELANGIECTASIA, COMPLEMENTATION GROUP A; ATAXIA-TELANGIECTASIA, FRESNO VARIANT; Ataxia-telangiectasia, complementation group E; LOUIS-BAR SYNDROME. Identifiers: Orphanet 100, MedGen C0004135, MONDO:0008840, OMIM 208900.

Submissions (2):

Myriad Genetics, Inc.
Classification: Likely benign for Familial cancer of breast. Last evaluated: 2024-06-24. Review status: criteria provided, single submitter. Criteria: Myriad Autosomal Dominant, Autosomal Recessive and X-Linked Classification Criteria (2023). Collection method: clinical testing. Allele origin: unknown.
Comment: This variant is considered likely benign. This variant is intronic and is not expected to impact mRNA splicing.

Labcorp Genetics (formerly Invitae), Labcorp
Classification: Likely benign for Ataxia-telangiectasia syndrome. Last evaluated: 2022-06-13. Review status: criteria provided, single submitter. Criteria: Invitae Variant Classification Sherloc (09022015). Collection method: clinical testing. Allele origin: germline.